The following is an entry in ClinVar:

ClinVar aggregate classification (germline): Uncertain significance (1 of 4 stars; one submission).

gnomAD v4.1: 10 of 1,613,876 alleles (0.00062%); highest among the groups gnomAD compares: African/African-American, 0.013%; no homozygotes.

Submission:

Women's Health and Genetics/Laboratory Corporation of America, LabCorp
Classification: Uncertain significance. Last evaluated: 2024-02-12. Review status: criteria provided, single submitter. Criteria: LabCorp Variant Classification Summary - May 2015. Collection method: clinical testing. Allele origin: germline.
Comment: Variant summary: THRA c.-9T>G is located in the untranslated mRNA region upstream of the initiation codon. The variant allele was found at a frequency of 8e-06 in 248832 control chromosomes. The available data on variant occurrences in the general population are insufficient to allow any conclusion about variant significance. To our knowledge, no occurrence of c.-9T>G in individuals affected with Congenital Nongoitrous Hypothryoidism 6 and no experimental evidence demonstrating its impact on protein function have been reported. No submitters have cited clinical-significance assessments for this variant to ClinVar. Based on the evidence outlined above, the variant was classified as uncertain significance.

NM_199334.5(THRA):c.-9T>G

Gene: THRA (thyroid hormone receptor alpha; plus strand). Cytogenetic location: 17q21.1.
Variant type: single nucleotide variant.
Coding change: c.-9T>G on transcript NM_199334.5 (MANE Select); 9 bases upstream of the start codon, T replaced by G.
Molecular consequence: 5 prime UTR variant.
Genome position (GRCh38, 1-based): chr17:40,074,480, T>G. VCF-style: chr17-40074480-T-G. GRCh37 (hg19) VCF-style: chr17-38230733-T-G.
Other names: c.-9T>G (NM_001190918.2, NM_001190919.2, NM_003250.6).
Identifiers: ClinVar variation 3068842 (VCV003068842.2), dbSNP rs781253852, ClinGen allele CA8539042.